The following is an entry in ClinVar:

ClinVar aggregate classification (germline): Uncertain significance. Review status: criteria provided, multiple submitters, no conflicts (2 of 4 stars). 2 submissions from 2 submitters: Uncertain significance (2). Last evaluated 2025-12-08.

Conditions:
Inborn genetic diseases. Identifiers: MedGen C0950123, MeSH D030342.

Allele frequency attached by ClinVar (database versions not stated): ExAC 0.00003; gnomAD exomes 0.00003; gnomAD 0.00001; TOPMed below 0.00001.

Submissions (2):

Ambry Genetics
Classification: Uncertain significance for Inborn genetic diseases. Last evaluated: 2025-12-08. Review status: criteria provided, single submitter. Criteria: Ambry Variant Classification Scheme 2023. Collection method: clinical testing. Allele origin: germline.

GeneDx
Classification: Uncertain significance. Last evaluated: 2020-02-20. Review status: criteria provided, single submitter. Criteria: GeneDx Variant Classification Process June 2021. Collection method: clinical testing. Allele origin: germline. Affected: yes.
Comment: Has not been previously published as pathogenic or benign to our knowledge; In silico analysis supports that this missense variant does not alter protein structure/function

NM_020971.3(SPTBN4):c.7048G>A (p.Glu2350Lys)

Gene: SPTBN4 (spectrin beta, non-erythrocytic 4; plus strand). Cytogenetic location: 19q13.2.
Variant type: single nucleotide variant.
Coding change: c.7048G>A on transcript NM_020971.3 (MANE Select); coding-DNA position 7048, G replaced by A.
Protein change: p.Glu2350Lys; replaces glutamic acid 2350 with lysine.
Molecular consequence: missense variant.
Genome position (GRCh38, 1-based): chr19:40,570,457, G>A. VCF-style: chr19-40570457-G-A. GRCh37 (hg19) VCF-style: chr19-41076363-G-A.
Other names: short protein forms E2350K.
Identifiers: ClinVar variation 1313988 (VCV001313988.5), dbSNP rs779441771, ClinGen allele CA9446886.